The following is an entry in ClinVar:

NM_032590.5(KDM2B):c.2252A>T (p.Gln751Leu)

Gene: KDM2B (lysine demethylase 2B; minus strand). Cytogenetic location: 12q24.31.
Variant type: single nucleotide variant.
Coding change: c.2252A>T on transcript NM_032590.5 (MANE Select); coding-DNA position 2252, A replaced by T.
Protein change: p.Gln751Leu; replaces glutamine 751 with leucine.
Molecular consequence: missense variant.
Genome position (GRCh38, 1-based): chr12:121,444,211, T>A on the plus strand (A>T on the coding strand, the complement: KDM2B is on the minus strand). VCF-style: chr12-121444211-T-A. GRCh37 (hg19) VCF-style: chr12-121882014-T-A.
Other names: c.2159A>T, p.Gln720Leu (NM_001005366.2); short protein forms Q720L, Q751L.
Identifiers: ClinVar variation 3370017 (VCV003370017.1).

ClinVar aggregate classification (germline): Uncertain significance (1 of 4 stars; one submission).

Submission:

GeneDx
Classification: Uncertain significance. Last evaluated: 2023-12-29. Review status: criteria provided, single submitter. Criteria: GeneDx Variant Classification Process June 2021. Collection method: clinical testing. Allele origin: germline. Affected: yes.
Comment: Not observed at significant frequency in large population cohorts (gnomAD); In silico analysis supports that this missense variant has a deleterious effect on protein structure/function; Has not been previously published as pathogenic or benign to our knowledge